The following is an entry in ClinVar:

ClinVar aggregate classification (germline): Likely benign (1 of 4 stars; one submission).

Conditions:
Papillary renal cell carcinoma type 1 (RCCP1). Also called: RENAL CELL CARCINOMA, PAPILLARY, 1, SOMATIC; Renal adenocarcinoma; Renal cell carcinoma 1; Renal cell carcinoma, somatic. Identifiers: Orphanet 47044, MedGen C1336839, OMIM 605074, HP:0011797.

gnomAD v4.1: 1 of 1,613,886 alleles (0.000062%); highest among the groups gnomAD compares: Non-Finnish European, 0.000085%; no homozygotes.

Submission:

Myriad Genetics, Inc.
Classification: Likely benign for Papillary renal cell carcinoma type 1. Last evaluated: 2024-11-08. Review status: criteria provided, single submitter. Criteria: Myriad Autosomal Dominant, Autosomal Recessive and X-Linked Classification Criteria (2023). Collection method: clinical testing. Allele origin: unknown.
Comment: This variant is considered likely benign. This variant is intronic and is not expected to impact mRNA splicing.

NM_000245.4(MET):c.1966-13A>G

Gene: MET (MET proto-oncogene, receptor tyrosine kinase; plus strand). Cytogenetic location: 7q31.2.
Variant type: single nucleotide variant.
Coding change: c.1966-13A>G on transcript NM_000245.4 (MANE Select); 13 bases into the intron before coding-DNA position 1966, A replaced by G.
Molecular consequence: intron variant.
Genome position (GRCh38, 1-based): chr7:116,757,625, A>G. VCF-style: chr7-116757625-A-G. GRCh37 (hg19) VCF-style: chr7-116397679-A-G.
Other names: c.1966-13A>G (NM_001127500.3, NM_001324401.3); c.676-13A>G (NM_001324402.2).
Identifiers: ClinVar variation 3773421 (VCV003773421.1).